The following is an entry in ClinVar:

ClinVar aggregate classification (germline): Uncertain significance (1 of 4 stars; one submission).

Conditions:
Mosaic variegated aneuploidy syndrome 1 (MVA1). Also called: Warburton-Anyane-Yeboa syndrome. Identifiers: Orphanet 1052, MedGen C1850343, MONDO:0009759, OMIM 257300.

Submission:

Labcorp Genetics (formerly Invitae), Labcorp
Classification: Uncertain significance for Mosaic variegated aneuploidy syndrome 1. Last evaluated: 2025-03-06. Review status: criteria provided, single submitter. Criteria: Invitae Variant Classification Sherloc (09022015). Collection method: clinical testing. Allele origin: germline.
Comment: This sequence change falls in intron 12 of the BUB1B gene. It does not directly change the encoded amino acid sequence of the BUB1B protein. This variant is present in population databases (rs751787026, gnomAD 0.002%). This variant has not been reported in the literature in individuals affected with BUB1B-related conditions. ClinVar contains an entry for this variant (Variation ID: 1024942). Algorithms developed to predict the effect of sequence changes on RNA splicing suggest that this variant may disrupt the consensus splice site. In summary, the available evidence is currently insufficient to determine the role of this variant in disease. Therefore, it has been classified as a Variant of Uncertain Significance.

NM_001211.6(BUB1B):c.1568-8_1568-5del

Gene: BUB1B (BUB1 mitotic checkpoint serine/threonine kinase B; plus strand). Cytogenetic location: 15q15.1.
Variant type: Deletion.
Coding change: c.1568-8_1568-5del on transcript NM_001211.6 (MANE Select); 8 bases into the intron before coding-DNA position 1568 through 5 bases into the intron before coding-DNA position 1568, 4 bases deleted (TTCT; older notation c.1568-8_1568-5delTTCT).
Molecular consequence: intron variant.
Genome position (GRCh38, 1-based): chr15:40,202,397-40,202,400, TTCT deleted; deleting any 4 consecutive bases within chr15:40,202,394-40,202,400 gives the same sequence; the c. name uses the placement nearest the transcript's 3' end. VCF-style (leftmost placement, unchanged base first): chr15-40202393-CTCTT-C. GRCh37 (hg19) VCF-style: chr15-40494594-CTCTT-C.
Identifiers: ClinVar variation 1024942 (VCV001024942.10), dbSNP rs751787026, ClinGen allele CA7475812.